The following is an entry in ClinVar:

NM_004369.4(COL6A3):c.6283-28A>G

Genes: COL6A3 (collagen type VI alpha 3 chain; minus strand), LOC122889011 (Sharpr-MPRA regulatory region 1020; plus strand). Cytogenetic location: 2q37.3.
Variant type: single nucleotide variant.
Coding change: c.6283-28A>G on transcript NM_004369.4 (MANE Select); 28 bases into the intron before coding-DNA position 6283, A replaced by G.
Molecular consequence: intron variant.
Genome position (GRCh38, 1-based): chr2:237,359,416, T>C on the plus strand (A>G on the coding strand, the complement: COL6A3 is on the minus strand). VCF-style: chr2-237359416-T-C. GRCh37 (hg19) VCF-style: chr2-238268059-T-C.
Other names: c.4462-28A>G (NM_057166.5); c.5665-28A>G (NM_057167.4).
Identifiers: ClinVar variation 2441675 (VCV002441675.2), dbSNP rs2469859405, ClinGen allele CA2580066085.
Genomic context (GRCh38, chr2:237,359,416, plus strand): 5'-GCATACCTTCTCTCCTGGGAATCCCCGAGAGCCCTAGAAGGCAAGGCGATAGGGGAAGCA[T>C]TAGCTTTTCCTGCAGGGCTGGTCCCTCGGGCAGAAGAGGCCAAGGGCTGTTCCCCCACTC-3'

ClinVar aggregate classification (germline): Uncertain significance. Review status: criteria provided, multiple submitters, no conflicts (2 of 4 stars). 2 submissions from 2 submitters: Uncertain significance (2). Last evaluated 2025-01-22.

Conditions:
Bethlem myopathy 1A. Also called: MYOPATHY, BENIGN CONGENITAL, WITH CONTRACTURES; Bethlem myopathy 1; Bethlem Muscular Dystrophy. Identifiers: Orphanet 610, MedGen CN029274, MONDO:0024530, OMIM 158810.

Submissions (2):

GeneDx
Classification: Uncertain significance. Last evaluated: 2025-01-22. Review status: criteria provided, single submitter. Criteria: GeneDx Variant Classification Process June 2021. Collection method: clinical testing. Allele origin: germline. Affected: yes.
Comment: Not observed at significant frequency in large population cohorts (gnomAD); In silico analysis is inconclusive as to whether the variant alters gene splicing. In the absence of RNA/functional studies, the actual effect of this sequence change is unknown.; Has not been previously published as pathogenic or benign to our knowledge

Baylor Genetics
Classification: Uncertain significance for Bethlem myopathy 1A. Last evaluated: 2022-11-03. Review status: criteria provided, single submitter. Criteria: ACMG Guidelines, 2015. Collection method: clinical testing. Allele origin: unknown.